The following is an entry in ClinVar:

NM_000038.6(APC):c.6349C>A (p.Gln2117Lys)

Gene: APC (APC regulator of Wnt signaling pathway; plus strand). Cytogenetic location: 5q22.2.
Variant type: single nucleotide variant.
Coding change: c.6349C>A on transcript NM_000038.6 (MANE Select); coding-DNA position 6349, C replaced by A.
Protein change: p.Gln2117Lys; replaces glutamine 2117 with lysine.
Molecular consequence: missense variant.
Genome position (GRCh38, 1-based): chr5:112,841,943, C>A. VCF-style: chr5-112841943-C-A. GRCh37 (hg19) VCF-style: chr5-112177640-C-A.
Other names: c.6349C>A, p.Gln2117Lys (NM_001127510.3, NM_001354895.2); c.6295C>A, p.Gln2099Lys (NM_001127511.3); c.6403C>A, p.Gln2135Lys (NM_001354896.2); c.6379C>A, p.Gln2127Lys (NM_001354897.2); c.6274C>A, p.Gln2092Lys (NM_001354898.2); c.6265C>A, p.Gln2089Lys (NM_001354899.2); c.6226C>A, p.Gln2076Lys (NM_001354900.2); c.6172C>A, p.Gln2058Lys (NM_001354901.2); and 5 more; short protein forms Q2117K, Q2099K, Q2026K, Q2089K, Q2016K, Q2058K, Q1834K, Q2076K.
Identifiers: ClinVar variation 132733 (VCV000132733.24), dbSNP rs587780546, ClinGen allele CA011074.

ClinVar aggregate classification (germline): Uncertain significance. Review status: criteria provided, multiple submitters, no conflicts (2 of 4 stars). 7 submissions from 7 submitters: Uncertain significance (7). Last evaluated 2024-12-09.

Conditions:
Familial adenomatous polyposis 1 (FAP1). Also called: FAMILIAL ADENOMATOUS POLYPOSIS 1, ATTENUATED; POLYPOSIS, ADENOMATOUS INTESTINAL. Identifiers: MedGen C2713442, MONDO:0021056, OMIM 175100. Disease mechanism: loss of function.
Classic or attenuated familial adenomatous polyposis. Identifiers: MedGen CN372698, MONDO:0021057.
Hereditary cancer-predisposing syndrome. Also called: Tumor predisposition; Hereditary neoplastic syndrome; Neoplastic Syndromes, Hereditary; Hereditary Cancer Syndrome. Identifiers: Orphanet 140162, MedGen C0027672, MeSH D009386, MONDO:0015356.

Allele frequency attached by ClinVar (database versions not stated): gnomAD exomes below 0.00001; ExAC 0.00001; TOPMed 0.00001.
gnomAD v4.1: 4 of 1,613,738 alleles (0.00025%); highest among the groups gnomAD compares: Non-Finnish European, 0.00034%; no homozygotes.

Submissions (7):

Labcorp Genetics (formerly Invitae), Labcorp
Classification: Uncertain significance for Familial adenomatous polyposis 1. Last evaluated: 2024-12-09. Review status: criteria provided, single submitter. Criteria: Invitae Variant Classification Sherloc (09022015). Collection method: clinical testing. Allele origin: germline.
Comment: This sequence change replaces glutamine, which is neutral and polar, with lysine, which is basic and polar, at codon 2117 of the APC protein (p.Gln2117Lys). This variant is present in population databases (rs587780546, gnomAD 0.0009%). This variant has not been reported in the literature in individuals affected with APC-related conditions. ClinVar contains an entry for this variant (Variation ID: 132733). Invitae Evidence Modeling of protein sequence and biophysical properties (such as structural, functional, and spatial information, amino acid conservation, physicochemical variation, residue mobility, and thermodynamic stability) indicates that this missense variant is not expected to disrupt APC protein function with a negative predictive value of 95%. In summary, the available evidence is currently insufficient to determine the role of this variant in disease. Therefore, it has been classified as a Variant of Uncertain Significance.

Color Diagnostics, LLC DBA Color Health
Classification: Uncertain significance for Hereditary cancer-predisposing syndrome. Last evaluated: 2024-03-06. Review status: criteria provided, single submitter. Criteria: ACMG Guidelines, 2015. Collection method: clinical testing. Allele origin: germline.
Comment: This missense variant replaces glutamine with lysine at codon 2117 of the APC protein. Computational prediction suggests that this variant may not impact protein structure and function (internally defined REVEL score threshold <= 0.5, PMID: 27666373). To our knowledge, functional studies have not been reported for this variant. This variant has not been reported in individuals affected with APC-related disorders in the literature. This variant has been identified in 1/250886 chromosomes in the general population by the Genome Aggregation Database (gnomAD). The available evidence is insufficient to determine the role of this variant in disease conclusively. Therefore, this variant is classified as a Variant of Uncertain Significance.

All of Us Research Program, National Institutes of Health
Classification: Uncertain significance for Classic or attenuated familial adenomatous polyposis. Last evaluated: 2024-02-05. Review status: criteria provided, single submitter. Criteria: ACMG Guidelines, 2015. Collection method: clinical testing. Allele origin: germline. Inheritance: Autosomal dominant inheritance. Observed: 2 variant alleles, 2 heterozygotes.
Comment: This missense variant replaces glutamine with lysine at codon 2117 of the APC protein. Computational prediction suggests that this variant may not impact protein structure and function (internally defined REVEL score threshold <= 0.5, PMID: 27666373). To our knowledge, functional studies have not been reported for this variant. This variant has not been reported in individuals affected with APC-related disorders in the literature. This variant has been identified in 1/250886 chromosomes in the general population by the Genome Aggregation Database (gnomAD). The available evidence is insufficient to determine the role of this variant in disease conclusively. Therefore, this variant is classified as a Variant of Uncertain Significance.

This study involves interpretation of variants in research participants for the purpose of population health screening. Participant phenotype was not available at the time of variant classification. Additional details can be found in publication PMID: 35346344, PMCID: PMC8962531

Baylor Genetics
Classification: Uncertain significance for Familial adenomatous polyposis 1. Last evaluated: 2023-05-26. Review status: criteria provided, single submitter. Criteria: ACMG Guidelines, 2015. Collection method: clinical testing. Allele origin: unknown.

Ambry Genetics
Classification: Uncertain significance for Hereditary cancer-predisposing syndrome. Last evaluated: 2023-05-15. Review status: criteria provided, single submitter. Criteria: Ambry Variant Classification Scheme 2023. Collection method: clinical testing. Allele origin: germline.
Comment: The p.Q2117K variant (also known as c.6349C>A), located in coding exon 15 of the APC gene, results from a C to A substitution at nucleotide position 6349. The glutamine at codon 2117 is replaced by lysine, an amino acid with similar properties. This amino acid position is well conserved in available vertebrate species. In addition, in silico predictors for this gene do not accurately predict pathogenicity. Since supporting evidence is limited at this time, the clinical significance of this alteration remains unclear.

Sema4
Classification: Uncertain significance for Hereditary cancer-predisposing syndrome. Last evaluated: 2021-09-30. Review status: criteria provided, single submitter. Criteria: Sema4 Curation Guidelines. Collection method: curation. Allele origin: germline.
Comment: The APC c.6349C>A (p.Q2117K) variant has not been reported in the literature to our knowledge. It was observed in 1/113338 chromosomes of the Non-Finnish European subpopulation in the large and broad cohorts of the Genome Aggregation Database (PMID: 32461654). The variant has been reported in ClinVar (Variation ID: 132733). Functional studies have not been performed, and in silico predictions of the variant's effect on protein function are inconclusive. The evidence is insufficient to meet ACMG/AMP criteria for classifying the variant as benign or pathogenic. Thus, the clinical significance of this variant is currently uncertain.

PreventionGenetics, part of Exact Sciences
Classification: Uncertain significance. Last evaluated: 2017-11-15. Review status: criteria provided, single submitter. Criteria: ACMG Guidelines, 2015. Collection method: clinical testing. Allele origin: germline.